The following is an entry in ClinVar:

NM_004329.3(BMPR1A):c.1180G>A (p.Val394Ile)

Gene: BMPR1A (bone morphogenetic protein receptor type 1A; plus strand). Cytogenetic location: 10q23.2.
Variant type: single nucleotide variant.
Coding change: c.1180G>A on transcript NM_004329.3 (MANE Select); coding-DNA position 1180, G replaced by A.
Protein change: p.Val394Ile; replaces valine 394 with isoleucine.
Molecular consequence: missense variant. On other transcripts: non-coding transcript variant (3).
Genome position (GRCh38, 1-based): chr10:86,921,533, G>A. VCF-style: chr10-86921533-G-A. GRCh37 (hg19) VCF-style: chr10-88681290-G-A.
Other names: c.1255G>A, p.Val419Ile (NM_001406559.1); c.1228G>A, p.Val410Ile (NM_001406560.1); c.1180G>A, p.Val394Ile (NM_001406561.1, NM_001406562.1, NM_001406563.1 and 19 more transcripts); c.1174G>A, p.Val392Ile (NM_001406583.1); c.1096G>A, p.Val366Ile (NM_001406584.1, NM_001406585.1, NM_001406586.1 and 2 more transcripts); c.838G>A, p.Val280Ile (NM_001406589.1); short protein forms V280I, V366I, V419I, V394I, V410I, V392I.
Identifiers: ClinVar variation 2795323 (VCV002795323.4), dbSNP rs2539635531, ClinGen allele CA377461851.

ClinVar aggregate classification (germline): Uncertain significance. Review status: criteria provided, multiple submitters, no conflicts (2 of 4 stars). 2 submissions from 2 submitters: Uncertain significance (2). Last evaluated 2025-11-25.

Conditions:
Hereditary cancer-predisposing syndrome. Also called: Hereditary neoplastic syndrome; Neoplastic Syndromes, Hereditary; Tumor predisposition; Hereditary Cancer Syndrome. Identifiers: Orphanet 140162, MedGen C0027672, MeSH D009386, MONDO:0015356.
Juvenile polyposis syndrome (JPS). Identifiers: Orphanet 2929, MedGen C0345893, MONDO:0017380, OMIM 174900.

Submissions (2):

Ambry Genetics
Classification: Uncertain significance for Hereditary cancer-predisposing syndrome. Last evaluated: 2025-11-25. Review status: criteria provided, single submitter. Criteria: Ambry Variant Classification Scheme 2023. Collection method: clinical testing. Allele origin: germline.
Comment: The p.V394I variant (also known as c.1180G>A), located in coding exon 9 of the BMPR1A gene, results from a G to A substitution at nucleotide position 1180. The valine at codon 394 is replaced by isoleucine, an amino acid with highly similar properties. This amino acid position is conserved. In addition, this alteration is predicted to be tolerated by in silico analysis. Based on the available evidence, the clinical significance of this variant remains unclear.

Labcorp Genetics (formerly Invitae), Labcorp
Classification: Uncertain significance for Juvenile polyposis syndrome. Last evaluated: 2022-12-18. Review status: criteria provided, single submitter. Criteria: Invitae Variant Classification Sherloc (09022015). Collection method: clinical testing. Allele origin: germline.
Comment: This variant is not present in population databases (gnomAD no frequency). This sequence change replaces valine, which is neutral and non-polar, with isoleucine, which is neutral and non-polar, at codon 394 of the BMPR1A protein (p.Val394Ile). This variant has not been reported in the literature in individuals affected with BMPR1A-related conditions. Algorithms developed to predict the effect of missense changes on protein structure and function (SIFT, PolyPhen-2, Align-GVGD) all suggest that this variant is likely to be tolerated. In summary, the available evidence is currently insufficient to determine the role of this variant in disease. Therefore, it has been classified as a Variant of Uncertain Significance.